The following is an entry in ClinVar:

ClinVar aggregate classification (germline): Uncertain significance (1 of 4 stars; one submission).

Conditions:
Malignant hyperthermia, susceptibility to, 5 (MHS5). Also called: CACNA1S-Related Malignant Hyperthermia Susceptibility. Identifiers: Orphanet 423, MedGen C1866077, MONDO:0011163, OMIM 601887.

Allele frequency attached by ClinVar (database versions not stated): gnomAD exomes below 0.00001; TOPMed below 0.00001; gnomAD 0.00001.
gnomAD v4.1: 2 of 1,613,478 alleles (0.00012%); highest among the groups gnomAD compares: Admixed American, 0.0017%; no homozygotes.

Submission:

All of Us Research Program, National Institutes of Health
Classification: Uncertain significance for Malignant hyperthermia, susceptibility to, 5. Last evaluated: 2023-11-30. Review status: criteria provided, single submitter. Criteria: ACMG Guidelines, 2015. Collection method: clinical testing. Allele origin: germline. Inheritance: Autosomal dominant inheritance. Observed: 2 variant alleles, 2 heterozygotes.
Comment: This missense variant replaces glycine with valine at codon 1596 of the CACNA1S protein. Computational prediction suggests that this variant may not impact protein structure and function (internally defined REVEL score threshold <= 0.5, PMID: 27666373). To our knowledge, functional studies have not been reported for this variant. This variant has not been reported in individuals affected with CACNA1S-related disorders in the literature. This variant has been identified in 1/251284 chromosomes in the general population by the Genome Aggregation Database (gnomAD). The available evidence is insufficient to determine the role of this variant in disease conclusively. Therefore, this variant is classified as a Variant of Uncertain Significance.

This study involves interpretation of variants in research participants for the purpose of population health screening. Participant phenotype was not available at the time of variant classification. Additional details can be found in publication PMID: 35346344, PMCID: PMC8962531

NM_000069.3(CACNA1S):c.4787G>T (p.Gly1596Val)

Gene: CACNA1S (calcium voltage-gated channel subunit alpha1 S; minus strand). Cytogenetic location: 1q32.1.
Variant type: single nucleotide variant.
Coding change: c.4787G>T on transcript NM_000069.3 (MANE Select); coding-DNA position 4787, G replaced by T.
Protein change: p.Gly1596Val; replaces glycine 1596 with valine.
Molecular consequence: missense variant.
Genome position (GRCh38, 1-based): chr1:201,044,338, C>A on the plus strand (G>T on the coding strand, the complement: CACNA1S is on the minus strand). VCF-style: chr1-201044338-C-A. GRCh37 (hg19) VCF-style: chr1-201013466-C-A.
Other names: short protein forms G1596V.
Identifiers: ClinVar variation 3072007 (VCV003072007.1), dbSNP rs1489611039, ClinGen allele CA344138870.